The following is an entry in ClinVar:

NM_000211.5(ITGB2):c.718A>G (p.Met240Val)

Gene: ITGB2 (integrin subunit beta 2; minus strand). Cytogenetic location: 21q22.3.
Variant type: single nucleotide variant.
Coding change: c.718A>G on transcript NM_000211.5 (MANE Select); coding-DNA position 718, A replaced by G.
Protein change: p.Met240Val; replaces methionine 240 with valine.
Molecular consequence: missense variant.
Genome position (GRCh38, 1-based): chr21:44,901,515, T>C on the plus strand (A>G on the coding strand, the complement: ITGB2 is on the minus strand). VCF-style: chr21-44901515-T-C. GRCh37 (hg19) VCF-style: chr21-46321430-T-C.
Other names: c.718A>G, p.Met240Val (NM_001127491.3); c.511A>G, p.Met171Val (NM_001303238.2); short protein forms M171V, M240V.
Identifiers: ClinVar variation 640380 (VCV000640380.11), dbSNP rs1601305422, ClinGen allele CA410476002.

ClinVar aggregate classification (germline): Uncertain significance (1 of 4 stars; one submission).

Conditions:
Leukocyte adhesion deficiency 1 (LAD1). Also called: LEUKOCYTE ADHESION DEFICIENCY, TYPE I; LAD 1; Lymphocyte function-associated antigen 1 immunodeficiency; LFA 1 immunodeficiency. Identifiers: Orphanet 2968, Orphanet 99842, MedGen C0398738, MONDO:0007293, OMIM 116920.

Allele frequency attached by ClinVar (database versions not stated): gnomAD 0.00001.
gnomAD v4.1: 1 of 1,614,074 alleles (0.000062%); highest among the groups gnomAD compares: African/African-American, 0.0013%; no homozygotes.

Submission:

Labcorp Genetics (formerly Invitae), Labcorp
Classification: Uncertain significance for Leukocyte adhesion deficiency 1. Last evaluated: 2024-10-16. Review status: criteria provided, single submitter. Criteria: Invitae Variant Classification Sherloc (09022015). Collection method: clinical testing. Allele origin: germline.
Comment: This sequence change replaces methionine, which is neutral and non-polar, with valine, which is neutral and non-polar, at codon 240 of the ITGB2 protein (p.Met240Val). This variant is not present in population databases (gnomAD no frequency). This variant has not been reported in the literature in individuals affected with ITGB2-related conditions. ClinVar contains an entry for this variant (Variation ID: 640380). Invitae Evidence Modeling of protein sequence and biophysical properties (such as structural, functional, and spatial information, amino acid conservation, physicochemical variation, residue mobility, and thermodynamic stability) has been performed for this missense variant. However, the output from this modeling did not meet the statistical confidence thresholds required to predict the impact of this variant on ITGB2 protein function. In summary, the available evidence is currently insufficient to determine the role of this variant in disease. Therefore, it has been classified as a Variant of Uncertain Significance.